The following is an entry in ClinVar:

ClinVar aggregate classification (germline): Uncertain significance. Review status: criteria provided, multiple submitters, no conflicts (2 of 4 stars). 2 submissions from 2 submitters: Uncertain significance (2). Last evaluated 2024-11-24.

Conditions:
Inborn genetic diseases. Identifiers: MedGen C0950123, MeSH D030342.

Allele frequency attached by ClinVar (database versions not stated): gnomAD 0.00001; gnomAD exomes 0.00001.
gnomAD v4.1: 18 of 1,613,822 alleles (0.0011%); highest among the groups gnomAD compares: Non-Finnish European, 0.0015%; no homozygotes.

Submissions (2):

Ambry Genetics
Classification: Uncertain significance for Inborn genetic diseases. Last evaluated: 2024-11-24. Review status: criteria provided, single submitter. Criteria: Ambry Variant Classification Scheme 2023. Collection method: clinical testing. Allele origin: germline.

Labcorp Genetics (formerly Invitae), Labcorp
Classification: Uncertain significance. Last evaluated: 2022-07-02. Review status: criteria provided, single submitter. Criteria: Invitae Variant Classification Sherloc (09022015). Collection method: clinical testing. Allele origin: germline.
Comment: This sequence change replaces aspartic acid, which is acidic and polar, with valine, which is neutral and non-polar, at codon 1711 of the MPDZ protein (p.Asp1711Val). In summary, the available evidence is currently insufficient to determine the role of this variant in disease. Therefore, it has been classified as a Variant of Uncertain Significance. Algorithms developed to predict the effect of missense changes on protein structure and function (SIFT, PolyPhen-2, Align-GVGD) all suggest that this variant is likely to be disruptive. This variant has not been reported in the literature in individuals affected with MPDZ-related conditions. This variant is present in population databases (no rsID available, gnomAD 0.0009%).

NM_001378778.1(MPDZ):c.5132A>T (p.Asp1711Val)

Gene: MPDZ (multiple PDZ domain crumbs cell polarity complex component; minus strand). Cytogenetic location: 9p23.
Variant type: single nucleotide variant.
Coding change: c.5132A>T on transcript NM_001378778.1 (MANE Select); coding-DNA position 5132, A replaced by T.
Protein change: p.Asp1711Val; replaces aspartic acid 1711 with valine.
Molecular consequence: missense variant.
Genome position (GRCh38, 1-based): chr9:13,121,838, T>A on the plus strand (A>T on the coding strand, the complement: MPDZ is on the minus strand). VCF-style: chr9-13121838-T-A. GRCh37 (hg19) VCF-style: chr9-13121837-T-A.
Other names: c.5033A>T, p.Asp1678Val (NM_001261406.2, NM_001261407.2, NM_001375416.1 and 3 more transcripts); c.5132A>T, p.Asp1711Val (NM_001330637.2, NM_003829.5); c.5231A>T, p.Asp1744Val (NM_001375413.1); c.4922A>T, p.Asp1641Val (NM_001375420.1, NM_001375421.1, NM_001375422.1 and 4 more transcripts); c.4724A>T, p.Asp1575Val (NM_001375427.1); c.5132A>T (NM_003829.3); short protein forms D1641V, D1711V, D1744V, D1678V, D1575V.
Identifiers: ClinVar variation 2085112 (VCV002085112.5), dbSNP rs1442020417, ClinGen allele CA372944309.